The following is an entry in ClinVar:

NM_052874.5(STX1B):c.205A>C (p.Lys69Gln)

Gene: STX1B (syntaxin 1B; minus strand). Cytogenetic location: 16p11.2.
Variant type: single nucleotide variant.
Coding change: c.205A>C on transcript NM_052874.5 (MANE Select); coding-DNA position 205, A replaced by C.
Protein change: p.Lys69Gln; replaces lysine 69 with glutamine.
Molecular consequence: missense variant.
Genome position (GRCh38, 1-based): chr16:31,001,094, T>G on the plus strand (A>C on the coding strand, the complement: STX1B is on the minus strand). VCF-style: chr16-31001094-T-G. GRCh37 (hg19) VCF-style: chr16-31012415-T-G.
Other names: short protein forms K69Q.
Identifiers: ClinVar variation 3323469 (VCV003323469.1).

ClinVar aggregate classification (germline): Uncertain significance (1 of 4 stars; one submission).

Conditions:
Inborn genetic diseases. Identifiers: MedGen C0950123, MeSH D030342.

Submission:

Ambry Genetics
Classification: Uncertain significance for Inborn genetic diseases. Last evaluated: 2024-05-01. Review status: criteria provided, single submitter. Criteria: Ambry Variant Classification Scheme 2023. Collection method: clinical testing. Allele origin: germline.
Comment: Occurs in the last base pair of the exon Based on insufficient or conflicting evidence, the clinical significance of this alteration remains unclear.